The following is an entry in ClinVar:

ClinVar aggregate classification (germline): Uncertain significance (1 of 4 stars; one submission).

Conditions:
Hereditary cancer-predisposing syndrome. Also called: Neoplastic Syndromes, Hereditary; Tumor predisposition; Hereditary Cancer Syndrome; Hereditary neoplastic syndrome. Identifiers: Orphanet 140162, MedGen C0027672, MeSH D009386, MONDO:0015356.

Submission:

Ambry Genetics
Classification: Uncertain significance for Hereditary cancer-predisposing syndrome. Last evaluated: 2026-03-29. Review status: criteria provided, single submitter. Criteria: Ambry Variant Classification Scheme 2023. Collection method: clinical testing. Allele origin: germline.
Comment: The p.N495S variant (also known as c.1484A>G), located in coding exon 11 of the SDHA gene, results from an A to G substitution at nucleotide position 1484. The asparagine at codon 495 is replaced by serine, an amino acid with highly similar properties. This amino acid position is conserved. In addition, this alteration is predicted to be tolerated by in silico analysis. Based on the available evidence, the clinical significance of this variant remains unclear.

NM_004168.4(SDHA):c.1484A>G (p.Asn495Ser)

Gene: SDHA (succinate dehydrogenase complex flavoprotein subunit A; plus strand). Cytogenetic location: 5p15.33.
Variant type: single nucleotide variant.
Coding change: c.1484A>G on transcript NM_004168.4 (MANE Select); coding-DNA position 1484, A replaced by G.
Protein change: p.Asn495Ser; replaces asparagine 495 with serine.
Molecular consequence: missense variant.
Genome position (GRCh38, 1-based): chr5:240,409, A>G. VCF-style: chr5-240409-A-G. GRCh37 (hg19) VCF-style: chr5-240524-A-G.
Other names: c.1340A>G, p.Asn447Ser (NM_001294332.2); c.1484A>G, p.Asn495Ser (NM_001330758.2); short protein forms N447S, N495S.
Identifiers: ClinVar variation 4864201 (VCV004864201.1).